The following is an entry in ClinVar:

ClinVar aggregate classification (germline): Likely benign (1 of 4 stars; one submission).

Conditions:
Juvenile polyposis syndrome (JPS). Identifiers: Orphanet 2929, MedGen C0345893, MONDO:0017380, OMIM 174900.

Submission:

Myriad Genetics, Inc.
Classification: Likely benign for Juvenile polyposis syndrome. Last evaluated: 2024-07-31. Review status: criteria provided, single submitter. Criteria: Myriad Autosomal Dominant, Autosomal Recessive and X-Linked Classification Criteria (2023). Collection method: clinical testing. Allele origin: unknown.
Comment: This variant is considered likely benign. This variant is intronic and is not expected to impact mRNA splicing.

NM_004329.3(BMPR1A):c.334-15T>C

Gene: BMPR1A (bone morphogenetic protein receptor type 1A; plus strand). Cytogenetic location: 10q23.2.
Variant type: single nucleotide variant.
Coding change: c.334-15T>C on transcript NM_004329.3 (MANE Select); 15 bases into the intron before coding-DNA position 334, T replaced by C.
Molecular consequence: intron variant.
Genome position (GRCh38, 1-based): chr10:86,899,779, T>C. VCF-style: chr10-86899779-T-C. GRCh37 (hg19) VCF-style: chr10-88659536-T-C.
Other names: c.334-15T>C (NM_001406562.1, NM_001406568.1, NM_001406567.1 and 22 more transcripts); c.250-15T>C (NM_001406584.1, NM_001406588.1, NM_001406587.1 and 2 more transcripts); c.333+7550T>C (NM_001406589.1).
Identifiers: ClinVar variation 3378750 (VCV003378750.1).